The following is an entry in ClinVar:

NM_004329.3(BMPR1A):c.1287C>T (p.Asp429=)

Gene: BMPR1A (bone morphogenetic protein receptor type 1A; plus strand). Cytogenetic location: 10q23.2.
Variant type: single nucleotide variant.
Coding change: c.1287C>T on transcript NM_004329.3 (MANE Select); coding-DNA position 1287, C replaced by T.
Protein change: p.Asp429=; no amino-acid change (aspartic acid 429 retained).
Molecular consequence: synonymous variant.
Genome position (GRCh38, 1-based): chr10:86,921,640, C>T. VCF-style: chr10-86921640-C-T. GRCh37 (hg19) VCF-style: chr10-88681397-C-T.
Identifiers: ClinVar variation 482863 (VCV000482863.15), dbSNP rs777021606, ClinGen allele CA5585679.

ClinVar aggregate classification (germline): Benign/Likely benign. Review status: criteria provided, multiple submitters, no conflicts (2 of 4 stars). 3 submissions from 3 submitters: Benign (1); Likely benign (2). Last evaluated 2025-02-07.

Conditions:
Juvenile polyposis syndrome (JPS). Identifiers: Orphanet 2929, MedGen C0345893, MONDO:0017380, OMIM 174900.
Hereditary cancer-predisposing syndrome. Also called: Hereditary neoplastic syndrome; Neoplastic Syndromes, Hereditary; Tumor predisposition; Hereditary Cancer Syndrome. Identifiers: Orphanet 140162, MedGen C0027672, MeSH D009386, MONDO:0015356.

Allele frequency attached by ClinVar (database versions not stated): gnomAD exomes below 0.00001; ExAC 0.00001.
gnomAD v4.1: 1 of 1,614,210 alleles (0.000062%); highest among the groups gnomAD compares: Non-Finnish European, 0.000085%; no homozygotes.

Submissions (3):

Labcorp Genetics (formerly Invitae), Labcorp
Classification: Likely benign for Juvenile polyposis syndrome. Last evaluated: 2025-02-07. Review status: criteria provided, single submitter. Criteria: Invitae Variant Classification Sherloc (09022015). Collection method: clinical testing. Allele origin: germline.

Myriad Genetics, Inc.
Classification: Benign for Juvenile polyposis syndrome. Last evaluated: 2024-08-07. Review status: criteria provided, single submitter. Criteria: Myriad Autosomal Dominant, Autosomal Recessive and X-Linked Classification Criteria (2023). Collection method: clinical testing. Allele origin: unknown.
Comment: This variant is considered benign. This variant is a silent/synonymous amino acid change and it is not expected to impact splicing.

Ambry Genetics
Classification: Likely benign for Hereditary cancer-predisposing syndrome. Last evaluated: 2016-04-09. Review status: criteria provided, single submitter. Criteria: Ambry Variant Classification Scheme 2023. Collection method: clinical testing. Allele origin: germline.